The following is an entry in ClinVar:

ClinVar aggregate classification (germline): Pathogenic (1 of 4 stars; one submission).

Conditions:
Hereditary cancer-predisposing syndrome. Also called: Tumor predisposition; Hereditary neoplastic syndrome; Neoplastic Syndromes, Hereditary; Hereditary Cancer Syndrome. Identifiers: Orphanet 140162, MedGen C0027672, MeSH D009386, MONDO:0015356.

Submission:

Department of Clinical Genetics, Copenhagen University Hospital, Rigshospitalet
Classification: Pathogenic for Hereditary cancer-predisposing syndrome. Last evaluated: 2025-02-04. Review status: criteria provided, single submitter. Criteria: ACMG Guidelines, 2015. Collection method: clinical testing. Allele origin: germline.
Comment: PVS1; PM2_SUP, PM5_SUP

NM_024675.4(PALB2):c.760_761del (p.Ser254fs)

Gene: PALB2 (partner and localizer of BRCA2; minus strand). Cytogenetic location: 16p12.2.
Variant type: Deletion.
Coding change: c.760_761del on transcript NM_024675.4 (MANE Select); coding-DNA positions 760 to 761, 2 bases deleted (TC; older notation c.760_761delTC).
Protein change: p.Ser254fs; shifts the reading frame from serine 254.
Molecular consequence: frameshift variant. On other transcripts: 5 prime UTR variant (8), intron variant (3).
Genome position (GRCh38, 1-based): chr16:23,635,785-23,635,786, GA deleted on the plus strand (TC on the coding strand, the reverse complement: PALB2 is on the minus strand). VCF-style (leftmost placement, unchanged base first): chr16-23635784-TGA-T. GRCh37 (hg19) VCF-style: chr16-23647105-TGA-T.
Other names: c.700_701del, p.Ser234fs (NM_001407296.1); c.760_761del, p.Ser254fs (NM_001407297.1, NM_001407298.1, NM_001407299.1 and 3 more transcripts); c.-126_-125del (NM_001407304.1, NM_001407305.1, NM_001407306.1 and 5 more transcripts); c.48+5324_48+5325del (NM_001407314.1); c.-104-5317_-104-5316del (NM_001407313.1, NM_001407312.1); short protein forms S234fs, S254fs.
Identifiers: ClinVar variation 3602765 (VCV003602765.2).